The following is an entry in ClinVar:

NM_012434.5(SLC17A5):c.57_72del (p.Thr20fs)

Genes: SLC17A5 (solute carrier family 17 member 5; minus strand), LOC129996727 (ATAC-STARR-seq lymphoblastoid silent region 17338; plus strand). Cytogenetic location: 6q13.
Variant type: Deletion.
Coding change: c.57_72del on transcript NM_012434.5 (MANE Select); coding-DNA positions 57 to 72, 16 bases deleted (CACGCCTCTTCTACCG).
Protein change: p.Thr20fs; shifts the reading frame from threonine 20.
Molecular consequence: frameshift variant.
Genome position (GRCh38, 1-based): chr6:73,653,815-73,653,830, CGGTAGAAGAGGCGTG deleted on the plus strand (CACGCCTCTTCTACCG on the coding strand, the reverse complement: SLC17A5 is on the minus strand); deleting any 16 consecutive bases within chr6:73,653,815-73,653,834 gives the same sequence; the c. name uses the placement nearest the transcript's 3' end. VCF-style (leftmost placement, unchanged base first): chr6-73653814-CCGGTAGAAGAGGCGTG-C. GRCh37 (hg19) VCF-style: chr6-74363537-CCGGTAGAAGAGGCGTG-C.
Other names: c.23_38del, p.Ala8fs (NM_001382629.1, NM_001382636.1); c.57_72del, p.Thr20fs (NM_001382630.1, NM_001382631.1, NM_001382632.1 and 3 more transcripts); c.57_72del (NM_012434.4); short protein forms A8fs, T20fs.
Identifiers: ClinVar variation 3594137 (VCV003594137.2).

ClinVar aggregate classification (germline): Likely pathogenic. Review status: criteria provided, multiple submitters, no conflicts (2 of 4 stars). 2 submissions from 2 submitters: Likely pathogenic (2). Last evaluated 2024-11-23.

Conditions:
Sialic acid storage disease, severe infantile type (ISSD). Also called: N-ACETYLNEURAMINIC ACID STORAGE DISEASE; NANA STORAGE DISEASE; Free sialic acid storage disease, infantile form; INFANTILE SIALIC ACID STORAGE DISORDER; SIALURIA, INFANTILE FORM; Infantile Sialic Acid Storage Disease. Identifiers: Orphanet 309324, Orphanet 834, MedGen C1096902, MONDO:0010027, OMIM 269920.
Salla disease (SD). Also called: Less Severe FSASD (Salla Disease); Sialuria, Finnish type; N-acetylneuraminic acid (NANA) storage disease (NSD); Infantile sialic acid storage disorder (ISSD). Identifiers: Orphanet 309334, Orphanet 834, MedGen C1096903, MONDO:0011449, OMIM 604369.

Submissions (2):

Natera, Inc.
Classification: Likely pathogenic for Salla disease. Last evaluated: 2024-11-23. Review status: criteria provided, single submitter. Criteria: Natera Variant Classification Schema (03/2026). Collection method: clinical testing. Allele origin: germline.
Comment: The c.57_72del variant in SLC17A5 is a frameshift variant predicted to shift the reading frame beginning at codon 20 and leads to a stop codon 18 codons downstream. This variant is expected to result in nonsense mediated decay, truncation, or a dysfunctional protein product. This variant is rare in the general population with a frequency below the threshold expected for the associated phenotype(s). Given the available evidence, this variant is classified as Likely Pathogenic.

Fulgent Genetics
Classification: Likely pathogenic for Sialic acid storage disease, severe infantile type; Salla disease. Last evaluated: 2024-05-23. Review status: criteria provided, single submitter. Criteria: ACMG Guidelines, 2015. Collection method: clinical testing. Allele origin: germline.